The following is an entry in ClinVar:

NM_032043.3(BRIP1):c.3640A>G (p.Lys1214Glu)

Gene: BRIP1 (BRCA1 interacting DNA helicase 1; minus strand). Cytogenetic location: 17q23.2.
Variant type: single nucleotide variant.
Coding change: c.3640A>G on transcript NM_032043.3 (MANE Select); coding-DNA position 3640, A replaced by G.
Protein change: p.Lys1214Glu; replaces lysine 1214 with glutamic acid.
Molecular consequence: missense variant.
Genome position (GRCh38, 1-based): chr17:61,683,406, T>C on the plus strand (A>G on the coding strand, the complement: BRIP1 is on the minus strand). VCF-style: chr17-61683406-T-C. GRCh37 (hg19) VCF-style: chr17-59760767-T-C.
Other names: short protein forms K1214E.
Identifiers: ClinVar variation 1733513 (VCV001733513.3), dbSNP rs2144069071, ClinGen allele CA400477925.

ClinVar aggregate classification (germline): Uncertain significance (1 of 4 stars; one submission).

Conditions:
Hereditary cancer-predisposing syndrome. Also called: Neoplastic Syndromes, Hereditary; Tumor predisposition; Hereditary Cancer Syndrome; Hereditary neoplastic syndrome. Identifiers: Orphanet 140162, MedGen C0027672, MeSH D009386, MONDO:0015356.

Submission:

Ambry Genetics
Classification: Uncertain significance for Hereditary cancer-predisposing syndrome. Last evaluated: 2025-11-23. Review status: criteria provided, single submitter. Criteria: Ambry Variant Classification Scheme 2023. Collection method: clinical testing. Allele origin: germline.
Comment: The p.K1214E variant (also known as c.3640A>G), located in coding exon 19 of the BRIP1 gene, results from an A to G substitution at nucleotide position 3640. The lysine at codon 1214 is replaced by glutamic acid, an amino acid with similar properties. This amino acid position is conserved. In addition, this alteration is predicted to be tolerated by in silico analysis. Since supporting evidence is limited at this time, the clinical significance of this alteration remains unclear.